The following is an entry in ClinVar:

ClinVar aggregate classification (germline): Uncertain significance (1 of 4 stars; one submission).

Submission:

Women's Health and Genetics/Laboratory Corporation of America, LabCorp
Classification: Uncertain significance. Last evaluated: 2024-08-09. Review status: criteria provided, single submitter. Criteria: LabCorp Variant Classification Summary - May 2015. Collection method: clinical testing. Allele origin: germline.
Comment: Variant summary: RMRP n.64C>A alters a nucleotide in the non-coding RNA. The variant was absent in 130480 control chromosomes. The available data on variant occurrences in the general population are insufficient to allow any conclusion about variant significance. To our knowledge, no occurrence of n.64C>A in individuals affected with Cartilage-Hair Hypoplasia and no experimental evidence demonstrating its impact on protein function have been reported. No submitters have cited clinical-significance assessments for this variant to ClinVar. Based on the evidence outlined above, the variant was classified as uncertain significance.

NR_003051.4(RMRP):n.65C>A

Gene: RMRP (RNA component of mitochondrial RNA processing endoribonuclease; minus strand). Cytogenetic location: 9p13.3.
Variant type: single nucleotide variant.
Molecular consequence: non-coding transcript variant (on NR_003051.4).
Genome position: GRCh38 VCF-style: chr9-35657955-G-T. GRCh37 (hg19) VCF-style: chr9-35657952-G-T.
Identifiers: ClinVar variation 3366348 (VCV003366348.1).